The following is an entry in ClinVar:

NM_006939.4(SOS2):c.655A>G (p.Met219Val)

Gene: SOS2 (SOS Ras/Rho guanine nucleotide exchange factor 2; minus strand). Cytogenetic location: 14q21.3.
Variant type: single nucleotide variant.
Coding change: c.655A>G on transcript NM_006939.4 (MANE Select); coding-DNA position 655, A replaced by G.
Protein change: p.Met219Val; replaces methionine 219 with valine.
Molecular consequence: missense variant.
Genome position (GRCh38, 1-based): chr14:50,188,556, T>C on the plus strand (A>G on the coding strand, the complement: SOS2 is on the minus strand). VCF-style: chr14-50188556-T-C. GRCh37 (hg19) VCF-style: chr14-50655274-T-C.
Other names: c.655A>G, p.Met219Val (NM_001411020.1); short protein forms M219V.
Identifiers: ClinVar variation 3613965 (VCV003613965.2).

ClinVar aggregate classification (germline): Uncertain significance (1 of 4 stars; one submission).

Conditions:
Noonan syndrome 9 (NS9). Identifiers: Orphanet 648, MedGen C4225282, MONDO:0014691, OMIM 616559.

gnomAD v4.1: 6 of 1,605,898 alleles (0.00037%); highest among the groups gnomAD compares: Non-Finnish European, 0.00051%; no homozygotes.

Submission:

Labcorp Genetics (formerly Invitae), Labcorp
Classification: Uncertain significance for Noonan syndrome 9. Last evaluated: 2024-05-18. Review status: criteria provided, single submitter. Criteria: Invitae Variant Classification Sherloc (09022015). Collection method: clinical testing. Allele origin: germline.
Comment: This sequence change replaces methionine, which is neutral and non-polar, with valine, which is neutral and non-polar, at codon 219 of the SOS2 protein (p.Met219Val). This variant is not present in population databases (gnomAD no frequency). This variant has not been reported in the literature in individuals affected with SOS2-related conditions. Advanced modeling of protein sequence and biophysical properties (such as structural, functional, and spatial information, amino acid conservation, physicochemical variation, residue mobility, and thermodynamic stability) performed at Invitae indicates that this missense variant is not expected to disrupt SOS2 protein function with a negative predictive value of 95%. In summary, the available evidence is currently insufficient to determine the role of this variant in disease. Therefore, it has been classified as a Variant of Uncertain Significance.